The following is an entry in ClinVar:

ClinVar aggregate classification (germline): Conflicting classifications of pathogenicity. Review status: criteria provided, conflicting classifications (1 of 4 stars). 6 submissions from 6 submitters: Uncertain significance (2); Benign (1); Likely benign (2). 1 of the submissions does not count toward it. Last evaluated 2026-04-01.

Conditions:
KIF1A-related disorder. Also called: KIF1A-related disorders; KIF1A-related condition.
Inborn genetic diseases. Identifiers: MedGen C0950123, MeSH D030342.
Hereditary spastic paraplegia 30. Identifiers: Orphanet 101010, MedGen C5235139, MONDO:0012476.
Neuropathy, hereditary sensory, type 2C. Also called: Hereditary sensory and autonomic neuropathy type IIC; KIF1A-Related HSAN2 (HSAN2C). Identifiers: Orphanet 970, MedGen C3280168, MONDO:0013634, OMIM 614213.
Intellectual disability, autosomal dominant 9 (NESCAVS). Also called: NESCAV SYNDROME; KIF1A-Related Neurodevelopmental Disorder. Identifiers: Orphanet 662367, MedGen C5393830, MONDO:0013656, OMIM 614255.

Allele frequency attached by ClinVar (database versions not stated): ESP Exome Variant Server 0.00008; gnomAD exomes 0.00008 and 0.00057; gnomAD 0.00009; TOPMed 0.00032; ExAC 0.00035.
gnomAD v4.1: 131 of 1,551,814 alleles (0.0084%); highest among the groups gnomAD compares: Admixed American, 0.2%; no homozygotes.

Submissions (6):

CeGaT Center for Human Genetics Tuebingen
Classification: Likely benign. Last evaluated: 2026-04-01. Review status: criteria provided, single submitter. Criteria: CeGaT Center For Human Genetics Tuebingen Variant Classification Criteria Version 2. Collection method: clinical testing. Allele origin: germline. Affected: yes. Observed: 1 variant allele.
Comment: KIF1A: BP4, BP7

Labcorp Genetics (formerly Invitae), Labcorp
Classification: Benign for Hereditary spastic paraplegia 30; Neuropathy, hereditary sensory, type 2C; Intellectual disability, autosomal dominant 9. Last evaluated: 2026-01-26. Review status: criteria provided, single submitter. Criteria: Invitae Variant Classification Sherloc (09022015). Collection method: clinical testing. Allele origin: germline.

GeneDx
Classification: Uncertain significance. Last evaluated: 2021-07-23. Review status: criteria provided, single submitter. Criteria: GeneDx Variant Classification Process June 2021. Collection method: clinical testing. Allele origin: germline. Affected: yes.
Comment: Has not been previously published as pathogenic or benign to our knowledge; In silico analysis suggests this variant may impact gene splicing. In the absence of RNA/functional studies, the actual effect of this sequence change is unknown.

ARUP Laboratories, Molecular Genetics and Genomics, ARUP Laboratories
Classification: Uncertain significance. Last evaluated: 2021-05-12. Review status: criteria provided, single submitter. Criteria: ARUP Molecular Germline Variant Investigation Process 2021. Collection method: clinical testing. Allele origin: germline.
Comment: The KIF1A c.4071C>T; p.Gly1357= variant (rs375309925), to our knowledge, is not reported in the medical literature but is reported in ClinVar (Variation ID: 464249). This variant is found in the Latino population with an allele frequency of 0.34% (89/25902 alleles) in the Genome Aggregation Database. This is a synonymous variant in a weakly conserved nucleotide, and computational analyses (Alamut v.2.11) predict that this variant may impact splicing by creating a novel cryptic donor splice site. However, given the lack of clinical and functional data, the significance of the p.Gly1357= variant is uncertain at this time.

Ambry Genetics
Classification: Likely benign for Inborn genetic diseases. Last evaluated: 2016-11-29. Review status: criteria provided, single submitter. Criteria: Ambry Variant Classification Scheme 2023. Collection method: clinical testing. Allele origin: germline.

PreventionGenetics, part of Exact Sciences
Classification: Likely benign for KIF1A-related condition. Last evaluated: 2021-08-30. Review status: no assertion criteria provided. Collection method: clinical testing. Allele origin: germline. Not counted in ClinVar's aggregate classification.
Comment: This variant is classified as likely benign based on ACMG/AMP sequence variant interpretation guidelines (Richards et al. 2015 PMID: 25741868, with internal and published modifications).

NM_001244008.2(KIF1A):c.4374C>T (p.Gly1458=)

Gene: KIF1A (kinesin family member 1A; minus strand). Cytogenetic location: 2q37.3.
Variant type: single nucleotide variant.
Coding change: c.4374C>T on transcript NM_001244008.2 (MANE Select); coding-DNA position 4374, C replaced by T.
Protein change: p.Gly1458=; no amino-acid change (glycine 1458 retained).
Molecular consequence: synonymous variant.
Genome position (GRCh38, 1-based): chr2:240,723,503, G>A on the plus strand (C>T on the coding strand, the complement: KIF1A is on the minus strand). VCF-style: chr2-240723503-G-A. GRCh37 (hg19) VCF-style: chr2-241662920-G-A.
Other names: c.4449C>T, p.Gly1483= (NM_001379631.1); c.4350C>T, p.Gly1450= (NM_001379632.1); c.4347C>T, p.Gly1449= (NM_001379633.1, NM_001379645.1); c.4200C>T, p.Gly1400= (NM_001379634.1); c.4197C>T, p.Gly1399= (NM_001379635.1, NM_001379646.1); c.4185C>T, p.Gly1395= (NM_001379636.1); c.4146C>T, p.Gly1382= (NM_001379637.1); c.4122C>T, p.Gly1374= (NM_001379638.1); and 8 more.
Identifiers: ClinVar variation 464249 (VCV000464249.27), dbSNP rs375309925, ClinGen allele CA2207412.